The following is an entry in ClinVar:

NM_014444.5(TUBGCP4):c.1816C>T (p.Arg606Cys)

Genes: TP53BP1 (tumor protein p53 binding protein 1; minus strand), TUBGCP4 (tubulin gamma complex component 4; plus strand). Cytogenetic location: 15q15.3.
Variant type: single nucleotide variant.
Coding change: c.1816C>T on transcript NM_014444.5 (MANE Select); coding-DNA position 1816, C replaced by T.
Protein change: p.Arg606Cys; replaces arginine 606 with cysteine.
Molecular consequence: missense variant. On other transcripts: 3 prime UTR variant (5).
Genome position (GRCh38, 1-based): chr15:43,403,767, C>T. VCF-style: chr15-43403767-C-T. GRCh37 (hg19) VCF-style: chr15-43695965-C-T.
Other names: c.1819C>T, p.Arg607Cys (NM_001286414.3); c.*3616G>A (NM_001141979.3, NM_001141980.3, NM_001355001.2 and 2 more transcripts); short protein forms R607C, R606C.
Identifiers: ClinVar variation 1944439 (VCV001944439.4), dbSNP rs1181759701, ClinGen allele CA392139905.

ClinVar aggregate classification (germline): Uncertain significance (1 of 4 stars; one submission).

Allele frequency attached by ClinVar (database versions not stated): gnomAD exomes below 0.00001.
gnomAD v4.1: 5 of 1,613,910 alleles (0.00031%); highest among the groups gnomAD compares: East Asian, 0.0022%; no homozygotes.

Submission:

Labcorp Genetics (formerly Invitae), Labcorp
Classification: Uncertain significance. Last evaluated: 2025-01-06. Review status: criteria provided, single submitter. Criteria: Invitae Variant Classification Sherloc (09022015). Collection method: clinical testing. Allele origin: germline.
Comment: This sequence change replaces arginine, which is basic and polar, with cysteine, which is neutral and slightly polar, at codon 607 of the TUBGCP4 protein (p.Arg607Cys). This variant is present in population databases (no rsID available, gnomAD 0.003%). This variant has not been reported in the literature in individuals affected with TUBGCP4-related conditions. ClinVar contains an entry for this variant (Variation ID: 1944439). Invitae Evidence Modeling of protein sequence and biophysical properties (such as structural, functional, and spatial information, amino acid conservation, physicochemical variation, residue mobility, and thermodynamic stability) has been performed for this missense variant. However, the output from this modeling did not meet the statistical confidence thresholds required to predict the impact of this variant on TUBGCP4 protein function. In summary, the available evidence is currently insufficient to determine the role of this variant in disease. Therefore, it has been classified as a Variant of Uncertain Significance.